The following is an entry in ClinVar:

ClinVar aggregate classification (germline): Pathogenic (1 of 4 stars; one submission).

Conditions:
Severe combined immunodeficiency, autosomal recessive, T cell-negative, B cell-negative, NK cell-negative, due to adenosine deaminase deficiency. Also called: ADA-SCID; SCID DUE TO ADA DEFICIENCY; SCID DUE TO ADA DEFICIENCY, EARLY-ONSET; ADA deficiency; Adenosine deaminase deficient severe combined immunodeficiency; Severe combined immunodeficiency due to ADA deficiency. Identifiers: Orphanet 277, MedGen C0392607, MONDO:0007064, OMIM 102700.

Submission:

Myriad Genetics, Inc.
Classification: Pathogenic for Severe combined immunodeficiency, autosomal recessive, T cell-negative, B cell-negative, NK cell-negative, due to adenosine deaminase deficiency. Last evaluated: 2023-10-16. Review status: criteria provided, single submitter. Criteria: Myriad Autosomal Dominant, Autosomal Recessive and X-Linked Classification Criteria (2023). Collection method: clinical testing. Allele origin: unknown.
Comment: NM_000022.2(ADA):c.737_741del5(Q246Pfs*3) is expected to be pathogenic in the context of adenosine deaminase deficiency. This variant is predicted to lead to an abnormal or absent protein product due to the creation of a premature termination codon in ADA, a gene where loss-of-function variants are known to be pathogenic. Please note: this variant was assessed in the context of healthy population screening.

NM_000022.4(ADA):c.737_741del (p.Gln246fs)

Gene: ADA (adenosine deaminase; minus strand). Cytogenetic location: 20q13.12.
Variant type: Deletion.
Coding change: c.737_741del on transcript NM_000022.4 (MANE Select); coding-DNA positions 737 to 741, 5 bases deleted (AGGCC; older notation c.737_741delAGGCC).
Protein change: p.Gln246fs; shifts the reading frame from glutamine 246.
Molecular consequence: frameshift variant. On other transcripts: non-coding transcript variant (1).
Genome position (GRCh38, 1-based): chr20:44,622,868-44,622,872, GGCCT deleted on the plus strand (AGGCC on the coding strand, the reverse complement: ADA is on the minus strand); deleting any 5 consecutive bases within chr20:44,622,868-44,622,874 gives the same sequence; the c. name uses the placement nearest the transcript's 3' end. VCF-style (leftmost placement, unchanged base first): chr20-44622867-GGGCCT-G. GRCh37 (hg19) VCF-style: chr20-43251508-GGGCCT-G.
Other names: c.332_336del, p.Gln111fs (NM_001322050.2); c.665_669del, p.Gln222fs (NM_001322051.2); short protein forms Q111fs, Q222fs, Q246fs.
Identifiers: ClinVar variation 5012402 (VCV005012402.1).